The following is an entry in ClinVar:

ClinVar aggregate classification (germline): Uncertain significance (1 of 4 stars; one submission).

Conditions:
Hereditary spastic paraplegia 28. Also called: Spastic paraplegia 28, autosomal recessive. Identifiers: Orphanet 101008, MedGen C1836295, MONDO:0012256, OMIM 609340.

Submission:

Labcorp Genetics (formerly Invitae), Labcorp
Classification: Uncertain significance for Spastic paraplegia 28, autosomal recessive. Last evaluated: 2019-10-08. Review status: criteria provided, single submitter. Criteria: Invitae Variant Classification Sherloc (09022015). Collection method: clinical testing. Allele origin: germline.
Comment: This sequence change falls in intron 7 of the DDHD1 gene. It does not directly change the encoded amino acid sequence of the DDHD1 protein, but it affects a nucleotide within the consensus splice site of the intron. This variant is not present in population databases (ExAC no frequency). This variant has not been reported in the literature in individuals with DDHD1-related conditions. Nucleotide substitutions within the consensus splice site are a relatively common cause of aberrant splicing (PMID: 17576681, 9536098). Algorithms developed to predict the effect of sequence changes on RNA splicing suggest that this variant may disrupt the consensus splice site, but this prediction has not been confirmed by published transcriptional studies. In summary, the available evidence is currently insufficient to determine the role of this variant in disease. Therefore, it has been classified as a Variant of Uncertain Significance.

NM_001160148.2(DDHD1):c.1503+3_1503+6del

Gene: DDHD1 (DDHD domain containing 1; minus strand). Cytogenetic location: 14q22.1.
Variant type: Microsatellite.
Coding change: c.1503+3_1503+6del on transcript NM_001160148.2 (MANE Select); bases 3 to 6 of the intron after coding-DNA position 1503, 4 bases deleted (AAGT; older notation c.1503+3_1503+6delAAGT).
Molecular consequence: splice donor variant.
Genome position (GRCh38, 1-based): chr14:53,072,591-53,072,594, ACTT deleted on the plus strand (AAGT on the coding strand, the reverse complement: DDHD1 is on the minus strand); deleting any 4 consecutive bases within chr14:53,072,591-53,072,598 gives the same sequence; the c. name uses the placement nearest the transcript's 3' end. VCF-style (leftmost placement, unchanged base first): chr14-53072590-CACTT-C. GRCh37 (hg19) VCF-style: chr14-53539308-CACTT-C.
Other names: c.1503+3_1503+6del (NM_030637.3); c.1524+3_1524+6del (NM_001160147.2).
Identifiers: ClinVar variation 968619 (VCV000968619.1), dbSNP rs1884601191, ClinGen allele CA1139663490.